The following is an entry in ClinVar:

NM_000702.4(ATP1A2):c.215G>C (p.Arg72Pro)

Gene: ATP1A2 (ATPase Na+/K+ transporting subunit alpha 2; plus strand). Cytogenetic location: 1q23.2.
Variant type: single nucleotide variant.
Coding change: c.215G>C on transcript NM_000702.4 (MANE Select); coding-DNA position 215, G replaced by C.
Protein change: p.Arg72Pro; replaces arginine 72 with proline.
Molecular consequence: missense variant.
Genome position (GRCh38, 1-based): chr1:160,123,250, G>C. VCF-style: chr1-160123250-G-C. GRCh37 (hg19) VCF-style: chr1-160093040-G-C.
Other names: short protein forms R72P.
Identifiers: ClinVar variation 1515848 (VCV001515848.6), dbSNP rs779812635, ClinGen allele CA343230538.

ClinVar aggregate classification (germline): Uncertain significance (1 of 4 stars; one submission).

Conditions:
Familial hemiplegic migraine. Identifiers: MedGen C0338484, MONDO:0000700.

Submission:

Labcorp Genetics (formerly Invitae), Labcorp
Classification: Uncertain significance for Familial hemiplegic migraine. Last evaluated: 2021-09-04. Review status: criteria provided, single submitter. Criteria: Invitae Variant Classification Sherloc (09022015). Collection method: clinical testing. Allele origin: germline.
Comment: In summary, the available evidence is currently insufficient to determine the role of this variant in disease. Therefore, it has been classified as a Variant of Uncertain Significance. Advanced modeling of protein sequence and biophysical properties (such as structural, functional, and spatial information, amino acid conservation, physicochemical variation, residue mobility, and thermodynamic stability) performed at Invitae indicates that this missense variant is expected to disrupt ATP1A2 protein function. This variant has not been reported in the literature in individuals affected with ATP1A2-related conditions. This variant is not present in population databases (ExAC no frequency). This sequence change replaces arginine with proline at codon 72 of the ATP1A2 protein (p.Arg72Pro). The arginine residue is highly conserved and there is a moderate physicochemical difference between arginine and proline.